The following is an entry in ClinVar:

NM_203447.4(DOCK8):c.434T>C (p.Phe145Ser)

Gene: DOCK8 (dedicator of cytokinesis 8; plus strand). Cytogenetic location: 9p24.3.
Variant type: single nucleotide variant.
Coding change: c.434T>C on transcript NM_203447.4 (MANE Select); coding-DNA position 434, T replaced by C.
Protein change: p.Phe145Ser; replaces phenylalanine 145 with serine.
Molecular consequence: missense variant.
Genome position (GRCh38, 1-based): chr9:304,610, T>C. VCF-style: chr9-304610-T-C. GRCh37 (hg19) VCF-style: chr9-304610-T-C.
Other names: c.230T>C, p.Phe77Ser (NM_001190458.2, NM_001193536.2); short protein forms F145S, F77S.
Identifiers: ClinVar variation 1063501 (VCV001063501.9), dbSNP rs2130593514, ClinGen allele CA372758789.

ClinVar aggregate classification (germline): Uncertain significance (1 of 4 stars; one submission).

Conditions:
Combined immunodeficiency due to DOCK8 deficiency (HIES2). Also called: HIES autosomal recessive; HYPER-IgE RECURRENT INFECTION SYNDROME 2, AUTOSOMAL RECESSIVE; HYPER-IgE SYNDROME 2, AUTOSOMAL RECESSIVE, WITH RECURRENT INFECTIONS; DOCK8 Deficiency; Hyper-IgE recurrent infection syndrome, autosomal recessive. Identifiers: Orphanet 217390, MedGen C4722305, MONDO:0009478, OMIM 243700.

Submission:

Labcorp Genetics (formerly Invitae), Labcorp
Classification: Uncertain significance for Combined immunodeficiency due to DOCK8 deficiency. Last evaluated: 2022-01-06. Review status: criteria provided, single submitter. Criteria: Invitae Variant Classification Sherloc (09022015). Collection method: clinical testing. Allele origin: germline.
Comment: In summary, the available evidence is currently insufficient to determine the role of this variant in disease. Therefore, it has been classified as a Variant of Uncertain Significance. Algorithms developed to predict the effect of missense changes on protein structure and function (SIFT, PolyPhen-2, Align-GVGD) all suggest that this variant is likely to be tolerated. ClinVar contains an entry for this variant (Variation ID: 1063501). This variant has not been reported in the literature in individuals affected with DOCK8-related conditions. This variant is not present in population databases (gnomAD no frequency). This sequence change replaces phenylalanine, which is neutral and non-polar, with serine, which is neutral and polar, at codon 145 of the DOCK8 protein (p.Phe145Ser).